The following is an entry in ClinVar:

NM_002242.4(KCNJ13):c.1027A>G (p.Ile343Val)

Genes: GIGYF2 (GRB10 interacting GYF protein 2; plus strand), KCNJ13 (potassium inwardly rectifying channel subfamily J member 13; minus strand). Cytogenetic location: 2q37.1.
Variant type: single nucleotide variant.
Coding change: c.1027A>G on transcript NM_002242.4 (MANE Select); coding-DNA position 1027, A replaced by G.
Protein change: p.Ile343Val; replaces isoleucine 343 with valine.
Molecular consequence: missense variant. On other transcripts: 3 prime UTR variant (1), intron variant (4).
Genome position (GRCh38, 1-based): chr2:232,768,247, T>C on the plus strand (A>G on the coding strand, the complement: KCNJ13 is on the minus strand). VCF-style: chr2-232768247-T-C. GRCh37 (hg19) VCF-style: chr2-233632957-T-C.
Other names: c.*506A>G (NM_001172416.1); c.787A>G, p.Ile263Val (NM_001172417.1); c.532+6811T>C (NM_001103146.3, NM_015575.4, NM_001103147.2 and 1 more transcripts); short protein forms I263V, I343V.
Identifiers: ClinVar variation 3630625 (VCV003630625.2).
Genomic context (GRCh38, chr2:232,768,247, plus strand): 5'-AGTCTTATTCTGTCAGTCCTGTTTCAGAGATCTGAAAATTGTCAATGCTTTGTCCATTGA[T>C]GTGGATATCCAGGTCAGTCCTGTTTGGGCTTTTAGAAACCAGAGGAGTTGGAAATTCAGG-3'
Protein context (NP_002233.2, residues 333-353): SPNRTDLDIH[Ile343Val]NGQSIDNFQI

ClinVar aggregate classification (germline): Uncertain significance (1 of 4 stars; one submission).

Submission:

Labcorp Genetics (formerly Invitae), Labcorp
Classification: Uncertain significance. Last evaluated: 2024-05-13. Review status: criteria provided, single submitter. Criteria: Invitae Variant Classification Sherloc (09022015). Collection method: clinical testing. Allele origin: germline.
Comment: This sequence change replaces isoleucine, which is neutral and non-polar, with valine, which is neutral and non-polar, at codon 343 of the KCNJ13 protein (p.Ile343Val). This variant is not present in population databases (gnomAD no frequency). This variant has not been reported in the literature in individuals affected with KCNJ13-related conditions. An algorithm developed to predict the effect of missense changes on protein structure and function (PolyPhen-2) suggests that this variant is likely to be tolerated. In summary, the available evidence is currently insufficient to determine the role of this variant in disease. Therefore, it has been classified as a Variant of Uncertain Significance.